The following is an entry in ClinVar:

NM_001042492.3(NF1):c.6487_6488del (p.Leu2163fs)

Gene: NF1 (neurofibromin 1; plus strand). Cytogenetic location: 17q11.2.
Variant type: Deletion.
Coding change: c.6487_6488del on transcript NM_001042492.3 (MANE Select); coding-DNA positions 6487 to 6488, 2 bases deleted (TT; older notation c.6487_6488delTT).
Protein change: p.Leu2163fs; shifts the reading frame from leucine 2163.
Molecular consequence: frameshift variant.
Genome position (GRCh38, 1-based): chr17:31,337,427-31,337,428, TT deleted. VCF-style (leftmost placement, unchanged base first): chr17-31337426-CTT-C. GRCh37 (hg19) VCF-style: chr17-29664444-CTT-C.
Other names: c.6424_6425delTT (NM_000267.3); c.6424_6425delTT, p.Leu2142Alafs (NM_000267.4); short protein forms L2142fs, L2163fs.
Identifiers: ClinVar variation 404549 (VCV000404549.5), dbSNP rs1060500338, ClinGen allele CA16615562.

ClinVar aggregate classification (germline): Pathogenic (1 of 4 stars; one submission).

Conditions:
Neurofibromatosis, type 1 (NF1). Also called: Neurofibromatosis, type I; NEUROFIBROMATOSIS, TYPE I, SOMATIC; Peripheral type neurofibromatosis; VON RECKLINGHAUSEN DISEASE. Identifiers: Orphanet 636, MedGen C0027831, MONDO:0018975, OMIM 162200. Disease mechanism: loss of function.

Submission:

Labcorp Genetics (formerly Invitae), Labcorp
Classification: Pathogenic for Neurofibromatosis, type 1. Last evaluated: 2016-05-14. Review status: criteria provided, single submitter. Criteria: Invitae Variant Classification Sherloc (09022015). Collection method: clinical testing. Allele origin: germline.
Comment: This sequence change deletes 2 nucleotides from exon 42 of the NF1 mRNA (c.6424_6425delTT), causing a frameshift at codon 2142. This creates a premature translational stop signal (p.Leu2142Alafs*5) and is expected to result in an absent or disrupted protein product. While this particular variant has not been reported in the literature, truncating variants in NF1 are known to be pathogenic (PMID: 10712197, 23913538). For these reasons, this variant has been classified as Pathogenic.

Literature cited by the submitters: PubMed 10712197; PubMed 23913538.